The following is an entry in ClinVar:

NM_005159.5(ACTC1):c.850A>T (p.Ile284Phe)

Genes: GJD2-DT (GJD2 divergent transcript; plus strand), ACTC1 (actin alpha cardiac muscle 1; minus strand). Cytogenetic location: 15q14.
Variant type: single nucleotide variant.
Coding change: c.850A>T on transcript NM_005159.5 (MANE Select); coding-DNA position 850, A replaced by T.
Protein change: p.Ile284Phe; replaces isoleucine 284 with phenylalanine.
Molecular consequence: missense variant.
Genome position (GRCh38, 1-based): chr15:34,791,254, T>A on the plus strand (A>T on the coding strand, the complement: ACTC1 is on the minus strand). VCF-style: chr15-34791254-T-A. GRCh37 (hg19) VCF-style: chr15-35083455-T-A.
Other names: short protein forms I284F.
Identifiers: ClinVar variation 45191 (VCV000045191.17), dbSNP rs397517073, ClinGen allele CA019962.

ClinVar aggregate classification (germline): Likely pathogenic. Review status: reviewed by expert panel (3 of 4 stars). 4 submissions from 4 submitters: Likely pathogenic (1). 3 of the submissions do not count toward it. Last evaluated 2025-11-13.

Conditions:
Hypertrophic cardiomyopathy 11. Also called: ACTC1-Related Familial Hypertrophic Cardiomyopathy. Identifiers: MedGen C2677506, MONDO:0012799, OMIM 612098.
Dilated cardiomyopathy 1R (CMD1R). Identifiers: Orphanet 154, Orphanet 54260, MedGen C3150681, MONDO:0013261, OMIM 613424.
Atrial septal defect 5 (ASD5). Identifiers: Orphanet 1478, MedGen C2748552, MONDO:0013011, OMIM 612794.
Hypertrophic cardiomyopathy. Also called: HYPERTROPHIC MYOCARDIOPATHY. Identifiers: Orphanet 217569, MedGen C0007194, MeSH D002312, MONDO:0005045, HP:0001639.

Allele frequency attached by ClinVar (database versions not stated): gnomAD exomes below 0.00001.

Submissions (4):

ClinGen Cardiomyopathy Variant Curation Expert Panel
Classification: Likely pathogenic for Hypertrophic cardiomyopathy. Last evaluated: 2025-11-13. Review status: reviewed by expert panel. Criteria: ClinGen CMP ACMG Specifications ACTC1 V1.0.0. Collection method: curation. Allele origin: germline. Inheritance: Autosomal dominant inheritance.
Comment: NM_005159.5(ACTC1):c.850A>T (p.Ile284Phe) - This variant has been identified in individuals with HCM as well as other cardiomyopathies (OMGL data, PMID 27532257) and is statistically increased in individuals with HCM compared to controls [OR lower 95% CI >10]. Therefore, the PS4_Moderate criteria has been applied. This variant segregated with disease in 3 affected relatives with HCM in 3 families and 3 affected relatives with DCM/LVNC in one family (UK Laboratories; PP1_Moderate). This variant is absent from gnomAD v2.1.1 (PM2_Supporting). Computational prediction tools suggest that this variant may impact the protein (REVEL score >0.7; PP3). Therefore, this variant is classified as Likely Pathogenic for HCM in an autosomal dominant manner based on PS4_Moderate, PP1_Moderate, PM2_Supporting, PP3.

Labcorp Genetics (formerly Invitae), Labcorp
Classification: Uncertain significance for Dilated cardiomyopathy 1R; Hypertrophic cardiomyopathy 11; Atrial septal defect 5. Last evaluated: 2025-11-10. Review status: criteria provided, single submitter. Criteria: Invitae Variant Classification Sherloc (09022015). Collection method: clinical testing. Allele origin: germline. Not counted in ClinVar's aggregate classification.
Comment: This sequence change replaces isoleucine, which is neutral and non-polar, with phenylalanine, which is neutral and non-polar, at codon 284 of the ACTC1 protein (p.Ile284Phe). This variant is not present in population databases (gnomAD no frequency). This missense change has been observed in individual(s) with hypertrophic cardiomyopathy (PMID: 27532257, 37652022). ClinVar contains an entry for this variant (Variation ID: 45191). Invitae Evidence Modeling of protein sequence and biophysical properties (such as structural, functional, and spatial information, amino acid conservation, physicochemical variation, residue mobility, and thermodynamic stability) has been performed for this missense variant. However, the output from this modeling did not meet the statistical confidence thresholds required to predict the impact of this variant on ACTC1 protein function. In summary, the available evidence is currently insufficient to determine the role of this variant in disease. Therefore, it has been classified as a Variant of Uncertain Significance.

Agnes Ginges Centre for Molecular Cardiology, Centenary Institute
Classification: Uncertain significance for Hypertrophic cardiomyopathy 11. Last evaluated: 2017-12-13. Review status: criteria provided, single submitter. Criteria: ACMG Guidelines, 2015. Collection method: research. Allele origin: germline. Affected: yes. Not counted in ClinVar's aggregate classification.
Comment: This variant is rare and is absent in the 1000 genomes project, as well as the Exome Aggregation Consortium dataset and the Genome Aggregation Database. Computational tools SIFT, MutationTaster, and PolyPhen-2 predict this variant to have a deleterious effect. In summary, based on the limited literature and rarity in general populations we classify ACTC1 Ile284Phe as a variant of "uncertain significance".

Laboratory for Molecular Medicine, Mass General Brigham Personalized Medicine
Classification: Uncertain significance. Last evaluated: 2014-05-15. Review status: criteria provided, single submitter. Criteria: LMM Criteria. Collection method: clinical testing. Allele origin: germline. Observed: 3 variant alleles. Not counted in ClinVar's aggregate classification.
Comment: The Ile284Phe variant in ACTC1 has not been previously reported in individuals w ith cardiomyopathy and was absent from large population studies. Computational prediction tools and conservation analyses do not provide strong support for or against an impact to the protein. In summary, the clinical signi ficance of the Ile284Phe variant is uncertain.

Literature cited by the submitters: PubMed 27532257 (cited by Labcorp Genetics (formerly Invitae), Labcorp); PubMed 37652022 (cited by Labcorp Genetics (formerly Invitae), Labcorp).